The following is an entry in ClinVar:

NM_006059.4(LAMC3):c.4525C>G (p.Gln1509Glu)

Gene: LAMC3 (laminin subunit gamma 3; plus strand). Cytogenetic location: 9q34.12.
Variant type: single nucleotide variant.
Coding change: c.4525C>G on transcript NM_006059.4 (MANE Select); coding-DNA position 4525, C replaced by G.
Protein change: p.Gln1509Glu; replaces glutamine 1509 with glutamic acid.
Molecular consequence: missense variant.
Genome position (GRCh38, 1-based): chr9:131,091,584, C>G. VCF-style: chr9-131091584-C-G. GRCh37 (hg19) VCF-style: chr9-133966971-C-G.
Other names: c.4525C>G (NM_006059.3); short protein forms Q1509E.
Identifiers: ClinVar variation 2896751 (VCV002896751.5), dbSNP rs761150123, ClinGen allele CA5288210.

ClinVar aggregate classification (germline): Uncertain significance. Review status: criteria provided, multiple submitters, no conflicts (2 of 4 stars). 2 submissions from 2 submitters: Uncertain significance (2). Last evaluated 2026-05-22.

Allele frequency attached by ClinVar (database versions not stated): gnomAD exomes below 0.00001; ExAC 0.00003; gnomAD 0.00004; TOPMed 0.00006.
gnomAD v4.1: 11 of 1,591,346 alleles (0.00069%); highest among the groups gnomAD compares: African/African-American, 0.012%; no homozygotes.

Submissions (2):

GeneDx
Classification: Uncertain significance. Last evaluated: 2026-05-22. Review status: criteria provided, single submitter. Criteria: GeneDx Variant Classification Process June 2021. Collection method: clinical testing. Allele origin: germline.
Comment: Not observed at significant frequency in large population cohorts (gnomAD); In silico analysis suggests that this missense variant does not alter protein structure/function; Has not been previously published as pathogenic or benign to our knowledge

Labcorp Genetics (formerly Invitae), Labcorp
Classification: Uncertain significance. Last evaluated: 2023-12-28. Review status: criteria provided, single submitter. Criteria: Invitae Variant Classification Sherloc (09022015). Collection method: clinical testing. Allele origin: germline.
Comment: This sequence change replaces glutamine, which is neutral and polar, with glutamic acid, which is acidic and polar, at codon 1509 of the LAMC3 protein (p.Gln1509Glu). This variant is present in population databases (rs761150123, gnomAD 0.008%). This variant has not been reported in the literature in individuals affected with LAMC3-related conditions. Algorithms developed to predict the effect of missense changes on protein structure and function output the following: SIFT: "Not Available"; PolyPhen-2: "Benign"; Align-GVGD: "Not Available". The glutamic acid amino acid residue is found in multiple mammalian species, which suggests that this missense change does not adversely affect protein function. In summary, the available evidence is currently insufficient to determine the role of this variant in disease. Therefore, it has been classified as a Variant of Uncertain Significance.